The following is an entry in ClinVar:

ClinVar aggregate classification (germline): Uncertain significance (1 of 4 stars; one submission).

Conditions:
Baller-Gerold syndrome (BGS). Also called: CRANIOSYNOSTOSIS WITH RADIAL DEFECTS. Identifiers: Orphanet 1225, MedGen C0265308, MONDO:0009039, OMIM 218600.

gnomAD v4.1: 3 of 1,565,648 alleles (0.00019%); highest among the groups gnomAD compares: Non-Finnish European, 0.00026%; no homozygotes.

Submission:

Labcorp Genetics (formerly Invitae), Labcorp
Classification: Uncertain significance for Baller-Gerold syndrome. Last evaluated: 2025-09-27. Review status: criteria provided, single submitter. Criteria: Invitae Variant Classification Sherloc (09022015). Collection method: clinical testing. Allele origin: germline.
Comment: This sequence change replaces leucine, which is neutral and non-polar, with proline, which is neutral and non-polar, at codon 493 of the RECQL4 protein (p.Leu493Pro). The frequency data for this variant in the population databases is considered unreliable, as metrics indicate poor data quality at this position in the gnomAD database. This variant has not been reported in the literature in individuals affected with RECQL4-related conditions. ClinVar contains an entry for this variant (Variation ID: 577628). Invitae Evidence Modeling of protein sequence and biophysical properties (such as structural, functional, and spatial information, amino acid conservation, physicochemical variation, residue mobility, and thermodynamic stability) indicates that this missense variant is expected to disrupt RECQL4 protein function with a positive predictive value of 80%. In summary, the available evidence is currently insufficient to determine the role of this variant in disease. Therefore, it has been classified as a Variant of Uncertain Significance.

NM_004260.4(RECQL4):c.1478T>C (p.Leu493Pro)

Gene: RECQL4 (RecQ like helicase 4; minus strand). Cytogenetic location: 8q24.3.
Variant type: single nucleotide variant.
Coding change: c.1478T>C on transcript NM_004260.4 (MANE Select); coding-DNA position 1478, T replaced by C.
Protein change: p.Leu493Pro; replaces leucine 493 with proline.
Molecular consequence: missense variant.
Genome position (GRCh38, 1-based): chr8:144,515,155, A>G on the plus strand (T>C on the coding strand, the complement: RECQL4 is on the minus strand). VCF-style: chr8-144515155-A-G. GRCh37 (hg19) VCF-style: chr8-145740539-A-G.
Other names: short protein forms L493P.
Identifiers: ClinVar variation 577628 (VCV000577628.7), dbSNP rs1245043798, ClinGen allele CA372684498.